The following is an entry in ClinVar:

ClinVar aggregate classification (germline): Uncertain significance (1 of 4 stars; one submission).

Conditions:
Encephalopathy, acute, infection-induced (herpes-specific), susceptibility to, 6. Also called: Herpes simplex encephalitis, susceptibility to, 4. Identifiers: Orphanet 1930, MedGen C3553869, MONDO:0013921, OMIM 614850.

Allele frequency attached by ClinVar (database versions not stated): gnomAD exomes 0.00001.
gnomAD v4.1: 8 of 1,614,020 alleles (0.0005%); highest among the groups gnomAD compares: Non-Finnish European, 0.00068%; no homozygotes.

Submission:

Labcorp Genetics (formerly Invitae), Labcorp
Classification: Uncertain significance for Encephalopathy, acute, infection-induced (herpes-specific), susceptibility to, 6. Last evaluated: 2017-12-06. Review status: criteria provided, single submitter. Criteria: Invitae Variant Classification Sherloc (09022015). Collection method: clinical testing. Allele origin: germline.
Comment: This sequence change replaces arginine with histidine at codon 463 of the TICAM1 protein (p.Arg463His). The arginine residue is moderately conserved and there is a small physicochemical difference between arginine and histidine. In summary, the available evidence is currently insufficient to determine the role of this variant in disease. Therefore, it has been classified as a Variant of Uncertain Significance. Algorithms developed to predict the effect of missense changes on protein structure and function output the following: SIFT: "Tolerated"; PolyPhen-2: "Benign"; Align-GVGD: "Class C0". The histidine amino acid residue is found in multiple mammalian species, suggesting that this missense change does not adversely affect protein function. These predictions have not been confirmed by published functional studies and their clinical significance is uncertain. This variant has not been reported in the literature in individuals with TICAM1-related disease. This variant is not present in population databases (ExAC no frequency).

NM_182919.4(TICAM1):c.1388G>A (p.Arg463His)

Gene: TICAM1 (TIR domain containing adaptor molecule 1; minus strand). Cytogenetic location: 19p13.3.
Variant type: single nucleotide variant.
Coding change: c.1388G>A on transcript NM_182919.4 (MANE Select); coding-DNA position 1388, G replaced by A.
Protein change: p.Arg463His; replaces arginine 463 with histidine.
Molecular consequence: missense variant.
Genome position (GRCh38, 1-based): chr19:4,816,990, C>T on the plus strand (G>A on the coding strand, the complement: TICAM1 is on the minus strand). VCF-style: chr19-4816990-C-T. GRCh37 (hg19) VCF-style: chr19-4817002-C-T.
Other names: c.1346G>A, p.Arg449His (NM_001385678.1); c.1253G>A, p.Arg418His (NM_001385679.1); c.746G>A, p.Arg249His (NM_001385680.1); short protein forms R463H, R249H, R418H, R449H.
Identifiers: ClinVar variation 540509 (VCV000540509.9), dbSNP rs1555730200, ClinGen allele CA403489827.